The following is an entry in ClinVar:

NM_000334.4(SCN4A):c.3203C>T (p.Ala1068Val)

Genes: GH-LCR (growth hormone locus control region; plus strand), SCN4A (sodium voltage-gated channel alpha subunit 4; minus strand). Cytogenetic location: 17q23.3.
Variant type: single nucleotide variant.
Coding change: c.3203C>T on transcript NM_000334.4 (MANE Select); coding-DNA position 3203, C replaced by T.
Protein change: p.Ala1068Val; replaces alanine 1068 with valine.
Molecular consequence: missense variant.
Genome position (GRCh38, 1-based): chr17:63,948,005, G>A on the plus strand (C>T on the coding strand, the complement: SCN4A is on the minus strand). VCF-style: chr17-63948005-G-A. GRCh37 (hg19) VCF-style: chr17-62025365-G-A.
Other names: short protein forms A1068V.
Identifiers: ClinVar variation 3582670 (VCV003582670.2).

ClinVar aggregate classification (germline): Uncertain significance. Review status: criteria provided, multiple submitters, no conflicts (2 of 4 stars). 2 submissions from 2 submitters: Uncertain significance (2). Last evaluated 2025-01-03.

Conditions:
Congenital myopathy 22A, classic (CMYO22A). Identifiers: MedGen C5830453, MONDO:0957247, OMIM 620351.
Hypokalemic periodic paralysis, type 2 (HOKPP2). Identifiers: Orphanet 681, MedGen C2750061, MONDO:0013234, OMIM 613345.
Hyperkalemic periodic paralysis. Also called: Gamstorp disease; Familial hyperkalemic periodic paralysis. Identifiers: Orphanet 682, MedGen C0238357, MONDO:0008224, OMIM 170500, HP:0007215.
Congenital myopathy 22B, severe fetal (CMYO22B). Identifiers: MedGen C5830501, MONDO:0957265, OMIM 620369.
Congenital myasthenic syndrome 16. Identifiers: Orphanet 590, MedGen C3280112, MONDO:0013620, OMIM 614198.
Potassium-aggravated myotonia. Also called: MYOTONIA CONGENITA, ACETAZOLAMIDE-RESPONSIVE; MYOTONIA CONGENITA, ATYPICAL; SODIUM CHANNEL MUSCLE DISEASE; Myotonia congenita, atypical, acetazolamide-responsive. Identifiers: Orphanet 612, Orphanet 99734, Orphanet 99735, Orphanet 99736, MedGen C2931826, MONDO:0018959, OMIM 608390.
Paramyotonia congenita of Von Eulenburg. Also called: PARALYSIS PERIODICA PARAMYOTONICA; Eulenburg disease; Myotonia congenita intermittens; Von Eulenburg paramyotonia congenita; Paramyotonia Congenita. Identifiers: Orphanet 684, MedGen C0221055, MONDO:0008195, OMIM 168300. Disease mechanism: loss of function.

Submissions (2):

GeneDx
Classification: Uncertain significance. Last evaluated: 2025-01-03. Review status: criteria provided, single submitter. Criteria: GeneDx Variant Classification Process June 2021. Collection method: clinical testing. Allele origin: germline. Affected: yes.
Comment: Not observed at significant frequency in large population cohorts (gnomAD); In silico analysis supports that this missense variant has a deleterious effect on protein structure/function; Has not been previously published as pathogenic or benign to our knowledge

Fulgent Genetics
Classification: Uncertain significance for Paramyotonia congenita of Von Eulenburg; Hyperkalemic periodic paralysis; Potassium-aggravated myotonia; Hypokalemic periodic paralysis, type 2; Congenital myasthenic syndrome 16; Congenital myopathy 22A, classic; Congenital myopathy 22B, severe fetal. Last evaluated: 2024-02-12. Review status: criteria provided, single submitter. Criteria: ACMG Guidelines, 2015. Collection method: clinical testing. Allele origin: germline.